The following is an entry in ClinVar:

ClinVar aggregate classification (germline): Pathogenic/Likely pathogenic. Review status: criteria provided, multiple submitters, no conflicts (2 of 4 stars). 2 submissions from 2 submitters: Pathogenic (1); Likely pathogenic (1). Last evaluated 2020-12-23.

Conditions:
Developmental and epileptic encephalopathy, 7 (DEE7). Also called: Early infantile epileptic encephalopathy 7; KCNQ2-Related Neonatal Epileptic Encephalopathy; KCNQ2-Related Neonatal-Onset Developmental and Epileptic Encephalopathy (NEO-DEE). Identifiers: Orphanet 439218, MedGen C3150986, MONDO:0013387, OMIM 613720.
Seizures, benign familial neonatal, 1. Also called: Benign Neonatal Epilepsy 1; KCNQ2-Related Benign Familial Neonatal Epilepsy; KCNQ2-Related Self-Limited Familial Neonatal Epilepsy (SLFNE); Seizures, benign neonatal, 1. Identifiers: Orphanet 1949, MedGen C3149074, MONDO:0007365, OMIM 121200.
Early-infantile DEE. Also called: Ohtahara syndrome; Early infantile epileptic encephalopathy; Early infantile epileptic encephalopathy with suppression bursts. Identifiers: Orphanet 1934, MedGen C0393706, MONDO:0800491.

Submissions (2):

Labcorp Genetics (formerly Invitae), Labcorp
Classification: Pathogenic for Early-infantile DEE. Last evaluated: 2020-12-23. Review status: criteria provided, single submitter. Criteria: Invitae Variant Classification Sherloc (09022015). Collection method: clinical testing. Allele origin: germline.
Comment: Advanced modeling of protein sequence and biophysical properties (such as structural, functional, and spatial information, amino acid conservation, physicochemical variation, residue mobility, and thermodynamic stability) performed at Invitae indicates that this missense variant is expected to disrupt KCNQ2 protein function. For these reasons, this variant has been classified as Pathogenic. This variant disrupts the p.Ala193 amino acid residue in KCNQ2. Other variant(s) that disrupt this residue have been observed in individuals with KCNQ2-related conditions (PMID: 27602407), which suggests that this may be a clinically significant amino acid residue. This variant has been observed in individual(s) with clinical features of KCNQ2-related conditions (Invitae). In at least one individual the variant was observed to be de novo. ClinVar contains an entry for this variant (Variation ID: 977299). This variant is not present in population databases (ExAC no frequency). This sequence change replaces alanine with valine at codon 193 of the KCNQ2 protein (p.Ala193Val). The alanine residue is highly conserved and there is a small physicochemical difference between alanine and valine.

Breda Genetics srl
Classification: Likely pathogenic for Developmental and epileptic encephalopathy, 7; Seizures, benign familial neonatal, 1. Last evaluated: 2020-03-30. Review status: criteria provided, single submitter. Criteria: ACMG Guidelines, 2015. Collection method: clinical testing. Allele origin: germline. Inheritance: Autosomal dominant inheritance. Affected: yes. Observed: 1 variant allele, 1 heterozygote.
Comment: The variant c.578C>T (p.Ala193Val) is reported as likely pathogenic in the Global Variome shared LOVD database v.3.0 (genomic variant: #0000285621). This variant has not been reported in dbSNP, gnomAD, 1000 Genomes, NHLI Exome Sequencing Project (ESP) or ClinVar. The nucleotide position is moderately conserved across 35 mammalian species (GERP RS: 3.89). In silico analysis indicates that the variant might be damaging. Another missense variant, c.578C>A (p.Ala193Asp), that falls on the same amino acid, is reported as pathogenic in Clinvar (Variation ID: 205865). On the basis of the above-mentioned evidence, we interpret this variant as likely pathogenic.

Literature cited by the submitters: PubMed 27602407 (cited by Labcorp Genetics (formerly Invitae), Labcorp).

NM_172107.4(KCNQ2):c.578C>T (p.Ala193Val)

Gene: KCNQ2 (potassium voltage-gated channel subfamily Q member 2; minus strand). Cytogenetic location: 20q13.33.
Variant type: single nucleotide variant.
Coding change: c.578C>T on transcript NM_172107.4 (MANE Select); coding-DNA position 578, C replaced by T.
Protein change: p.Ala193Val; replaces alanine 193 with valine.
Molecular consequence: missense variant.
Genome position (GRCh38, 1-based): chr20:63,444,771, G>A on the plus strand (C>T on the coding strand, the complement: KCNQ2 is on the minus strand). VCF-style: chr20-63444771-G-A. GRCh37 (hg19) VCF-style: chr20-62076124-G-A.
Other names: c.578C>T, p.Ala193Val (NM_001382235.1, NM_004518.6, NM_172106.3 and 2 more transcripts); short protein forms A193V.
Identifiers: ClinVar variation 977299 (VCV000977299.13), dbSNP rs796052619, ClinGen allele CA409654843.